The following is an entry in ClinVar:

NM_001378964.1(CDON):c.3736C>T (p.Pro1246Ser)

Gene: CDON (cell adhesion associated, oncogene regulated; minus strand). Cytogenetic location: 11q24.2.
Variant type: single nucleotide variant.
Coding change: c.3736C>T on transcript NM_001378964.1 (MANE Select); coding-DNA position 3736, C replaced by T.
Protein change: p.Pro1246Ser; replaces proline 1246 with serine.
Molecular consequence: missense variant.
Genome position (GRCh38, 1-based): chr11:125,961,001, G>A on the plus strand (C>T on the coding strand, the complement: CDON is on the minus strand). VCF-style: chr11-125961001-G-A. GRCh37 (hg19) VCF-style: chr11-125830896-G-A.
Other names: c.3805C>T, p.Pro1269Ser (NM_001243597.3); c.3736C>T, p.Pro1246Ser (NM_016952.6); short protein forms P1246S, P1269S.
Identifiers: ClinVar variation 3703881 (VCV003703881.2).

ClinVar aggregate classification (germline): Uncertain significance (1 of 4 stars; one submission).

Conditions:
Holoprosencephaly 11 (HPE11). Identifiers: Orphanet 2162, MedGen C3280215, MONDO:0013642, OMIM 614226.

Submission:

Labcorp Genetics (formerly Invitae), Labcorp
Classification: Uncertain significance for Holoprosencephaly 11. Last evaluated: 2024-11-27. Review status: criteria provided, single submitter. Criteria: Invitae Variant Classification Sherloc (09022015). Collection method: clinical testing. Allele origin: germline.
Comment: This sequence change replaces proline, which is neutral and non-polar, with serine, which is neutral and polar, at codon 1246 of the CDON protein (p.Pro1246Ser). This variant is present in population databases (rs777682588, gnomAD 0.009%). This variant has not been reported in the literature in individuals affected with CDON-related conditions. Invitae Evidence Modeling of protein sequence and biophysical properties (such as structural, functional, and spatial information, amino acid conservation, physicochemical variation, residue mobility, and thermodynamic stability) indicates that this missense variant is not expected to disrupt CDON protein function with a negative predictive value of 80%. In summary, the available evidence is currently insufficient to determine the role of this variant in disease. Therefore, it has been classified as a Variant of Uncertain Significance.